The following is an entry in ClinVar:

NM_004525.3(LRP2):c.6542G>A (p.Arg2181His)

Gene: LRP2 (LDL receptor related protein 2; minus strand). Cytogenetic location: 2q31.1.
Variant type: single nucleotide variant.
Coding change: c.6542G>A on transcript NM_004525.3 (MANE Select); coding-DNA position 6542, G replaced by A.
Protein change: p.Arg2181His; replaces arginine 2181 with histidine.
Molecular consequence: missense variant.
Genome position (GRCh38, 1-based): chr2:169,207,178, C>T on the plus strand (G>A on the coding strand, the complement: LRP2 is on the minus strand). VCF-style: chr2-169207178-C-T. GRCh37 (hg19) VCF-style: chr2-170063688-C-T.
Other names: c.6542G>A (NM_004525.2); short protein forms R2181H.
Identifiers: ClinVar variation 1043672 (VCV001043672.5), dbSNP rs112648467, ClinGen allele CA1954255.

ClinVar aggregate classification (germline): Uncertain significance. Review status: criteria provided, multiple submitters, no conflicts (2 of 4 stars). 3 submissions from 3 submitters: Uncertain significance (3). Last evaluated 2026-09-03.

Conditions:
LRP2-related disorder. Also called: LRP2-related condition.
Inborn genetic diseases. Identifiers: MedGen C0950123, MeSH D030342.

Allele frequency attached by ClinVar (database versions not stated): gnomAD exomes 0.00005 and 0.00021; ExAC 0.00006; gnomAD 0.00007; ESP Exome Variant Server 0.00008; TOPMed 0.00008.
gnomAD v4.1: 321 of 1,613,360 alleles (0.02%); highest among the groups gnomAD compares: Non-Finnish European, 0.025%; no homozygotes.

Submissions (3):

PreventionGenetics, part of Exact Sciences
Classification: Uncertain significance for LRP2-related condition. Last evaluated: 2026-09-03. Review status: criteria provided, single submitter. Criteria: ACMG Guidelines, 2015. Collection method: clinical testing. Allele origin: germline.
Comment: The LRP2 c.6542G>A variant is predicted to result in the amino acid substitution p.Arg2181His. To our knowledge, this variant has not been reported in the literature. This variant is reported in 0.0071% of alleles in individuals of European (non-Finnish) descent in gnomAD. At this time, the clinical significance of this variant is uncertain due to the absence of conclusive functional and genetic evidence.

Labcorp Genetics (formerly Invitae), Labcorp
Classification: Uncertain significance. Last evaluated: 2022-09-13. Review status: criteria provided, single submitter. Criteria: Invitae Variant Classification Sherloc (09022015). Collection method: clinical testing. Allele origin: germline.
Comment: This sequence change replaces arginine, which is basic and polar, with histidine, which is basic and polar, at codon 2181 of the LRP2 protein (p.Arg2181His). This variant is present in population databases (rs112648467, gnomAD 0.008%). This variant has not been reported in the literature in individuals affected with LRP2-related conditions. ClinVar contains an entry for this variant (Variation ID: 1043672). Advanced modeling of protein sequence and biophysical properties (such as structural, functional, and spatial information, amino acid conservation, physicochemical variation, residue mobility, and thermodynamic stability) performed at Invitae indicates that this missense variant is expected to disrupt LRP2 protein function. In summary, the available evidence is currently insufficient to determine the role of this variant in disease. Therefore, it has been classified as a Variant of Uncertain Significance.

Ambry Genetics
Classification: Uncertain significance for Inborn genetic diseases. Last evaluated: 2022-04-27. Review status: criteria provided, single submitter. Criteria: Ambry Variant Classification Scheme 2023. Collection method: clinical testing. Allele origin: germline.